The following is an entry in ClinVar:

ClinVar aggregate classification (germline): Uncertain significance. Review status: criteria provided, multiple submitters, no conflicts (2 of 4 stars). 2 submissions from 2 submitters: Uncertain significance (2). Last evaluated 2021-10-24.

Conditions:
Hereditary spastic paraplegia 39 (SPG39). Also called: Spastic Paraplegia Type 39 (SPG39); SPASTIC PARAPLEGIA 39, AUTOSOMAL RECESSIVE. Identifiers: Orphanet 139480, MedGen C2677586, MONDO:0012787, OMIM 612020.
Inborn genetic diseases. Identifiers: MedGen C0950123, MeSH D030342.

Allele frequency attached by ClinVar (database versions not stated): ExAC 0.00001; gnomAD 0.00001; gnomAD exomes 0.00001; ESP Exome Variant Server 0.00008.
gnomAD v4.1: 13 of 1,612,812 alleles (0.00081%); highest among the groups gnomAD compares: East Asian, 0.0045%; no homozygotes.

Submissions (2):

Labcorp Genetics (formerly Invitae), Labcorp
Classification: Uncertain significance for Hereditary spastic paraplegia 39. Last evaluated: 2021-10-24. Review status: criteria provided, single submitter. Criteria: Invitae Variant Classification Sherloc (09022015). Collection method: clinical testing. Allele origin: germline.
Comment: This sequence change replaces arginine, which is basic and polar, with glutamine, which is neutral and polar, at codon 415 of the PNPLA6 protein (p.Arg415Gln). This variant is present in population databases (rs370626406, gnomAD 0.005%). This variant has not been reported in the literature in individuals affected with PNPLA6-related conditions. Algorithms developed to predict the effect of missense changes on protein structure and function (SIFT, PolyPhen-2, Align-GVGD) all suggest that this variant is likely to be tolerated. Algorithms developed to predict the effect of sequence changes on RNA splicing suggest that this variant may create or strengthen a splice site. In summary, the available evidence is currently insufficient to determine the role of this variant in disease. Therefore, it has been classified as a Variant of Uncertain Significance.

Ambry Genetics
Classification: Uncertain significance for Inborn genetic diseases. Last evaluated: 2021-10-06. Review status: criteria provided, single submitter. Criteria: Ambry Variant Classification Scheme 2023. Collection method: clinical testing. Allele origin: germline.

NM_001166114.2(PNPLA6):c.1361G>A (p.Arg454Gln)

Gene: PNPLA6 (patatin like domain 6, lysophospholipase; plus strand). Cytogenetic location: 19p13.2.
Variant type: single nucleotide variant.
Coding change: c.1361G>A on transcript NM_001166114.2 (MANE Select); coding-DNA position 1361, G replaced by A.
Protein change: p.Arg454Gln; replaces arginine 454 with glutamine.
Molecular consequence: missense variant.
Genome position (GRCh38, 1-based): chr19:7,542,669, G>A. VCF-style: chr19-7542669-G-A. GRCh37 (hg19) VCF-style: chr19-7607555-G-A.
Other names: c.1388G>A, p.Arg463Gln (NM_001166111.2); c.1244G>A, p.Arg415Gln (NM_001166112.2, NM_001166113.1, NM_006702.5); c.1244G>A (NM_006702.4); short protein forms R415Q, R463Q, R454Q.
Identifiers: ClinVar variation 1407158 (VCV001407158.5), dbSNP rs370626406, ClinGen allele CA9139779.
Genomic context (GRCh38, chr19:7,542,669, plus strand): 5'-GCCGGATCTCCGTGTCCCTGCAGGAAGAGGCCTCCGGGGGGTCCCTGGCAGCCCCCGCTC[G>A]GGTAAGGCTTGGGACCCTGCCCGGTGGTGGAGCCCGCAGGGGAAGGTGGCTGGGAGGGAG-3'
Protein context (NP_001159586.1, residues 444-464): ASGGSLAAPA[Arg454Gln]TPTQEPREQP